The following is an entry in ClinVar:

NM_144672.4(OTOA):c.1821G>A (p.Ala607=)

Gene: OTOA (otoancorin). Cytogenetic location: 16p12.2.
Variant type: single nucleotide variant.
Coding change: c.1821G>A on transcript NM_144672.4 (MANE Select); coding-DNA position 1821, G replaced by A.
Protein change: p.Ala607=; no amino-acid change (alanine 607 retained).
Molecular consequence: synonymous variant.
Genome position (GRCh38, 1-based): chr16:21,722,919, G>A. VCF-style: chr16-21722919-G-A. GRCh37 (hg19) VCF-style: chr16-21734240-G-A.
Other names: c.1584G>A, p.Ala528= (NM_001161683.2); c.849G>A, p.Ala283= (NM_170664.3).
Identifiers: ClinVar variation 227748 (VCV000227748.10), dbSNP rs143993346, ClinGen allele CA7952818.
Genomic context (GRCh38, chr16:21,722,919, plus strand): 5'-TCTTCTTCTTACTGCATTAAATCCCCAGAACTGCTTAATCTTTCAGGTTAATTGTTTGGC[G>A]TGGAAATACTGGGAAGTTTCCAGATTGTCTATGCCACCTTTCCTCTTGGCTGCACTCCCG-3'
Protein context (NP_653273.3, residues 597-617): LLSPYQVNCL[Ala607=]WKYWEVSRLS

ClinVar aggregate classification (germline): Conflicting classifications of pathogenicity. Review status: criteria provided, conflicting classifications (1 of 4 stars). 3 submissions from 3 submitters: Uncertain significance (1); Likely benign (2). Last evaluated 2025-04-14.

Allele frequency attached by ClinVar (database versions not stated): TOPMed 0.00006; ExAC 0.00007; gnomAD exomes 0.00010; gnomAD 0.00014 and 0.00015; ESP Exome Variant Server 0.00015.
gnomAD v4.1: 100 of 1,613,990 alleles (0.0062%); highest among the groups gnomAD compares: African/African-American, 0.017%; no homozygotes.

Submissions (3):

GeneDx
Classification: Uncertain significance. Last evaluated: 2025-04-14. Review status: criteria provided, single submitter. Criteria: GeneDx Variant Classification Process June 2021. Collection method: clinical testing. Allele origin: germline. Affected: yes.
Comment: In silico analysis is inconclusive as to whether the variant alters gene splicing. In the absence of RNA/functional studies, the actual effect of this sequence change is unknown.; Has not been previously published as pathogenic or benign to our knowledge

Labcorp Genetics (formerly Invitae), Labcorp
Classification: Likely benign. Last evaluated: 2024-02-25. Review status: criteria provided, single submitter. Criteria: Invitae Variant Classification Sherloc (09022015). Collection method: clinical testing. Allele origin: germline.

Laboratory for Molecular Medicine, Mass General Brigham Personalized Medicine
Classification: Likely benign. Last evaluated: 2016-02-09. Review status: criteria provided, single submitter. Criteria: LMM Criteria. Collection method: clinical testing. Allele origin: germline. Observed: 1 variant allele.
Comment: p.Ala607Ala in exon 17 of OTOA: This variant is not expected to have clinical si gnificance because it does not alter an amino acid residue, is not located withi n the splice consensus sequence, and has been identified in 6/6612 Finnish chrom osomes by the Exome Aggregation Consortium (ExAC ; dbSNP dbSNP rs143993346).